The following is an entry in ClinVar:

ClinVar aggregate classification (germline): Pathogenic (1 of 4 stars; one submission).

Conditions:
Leigh syndrome (NULS). Also called: Leigh Disease; Subacute necrotizing encephalopathy; Necrotizing encephalopathy infantile subacute of Leigh; LEIGH SYNDROME, NUCLEAR; Leigh's necrotizing encephalopathy; Leigh's disease. Identifiers: Orphanet 506, MedGen C2931891, MONDO:0009723, OMIM 256000.

Submission:

Women's Health and Genetics/Laboratory Corporation of America, LabCorp
Classification: Pathogenic for Leigh syndrome. Last evaluated: 2022-05-16. Review status: criteria provided, single submitter. Criteria: LabCorp Variant Classification Summary - May 2015. Collection method: clinical testing. Allele origin: germline.
Comment: Variant summary: The variant identified by MLPA or other technology involves the deletion of exons 2-4 in the NDUFAF2 gene. A presumed nomenclature of c.(127+1_128-1)_(*83_?)del has been designated for the purposes of this classification. Although exact breakpoints of this copy number variant are not known, it is expected to result in a large deletion change in the NDUFAF2 gene, a known mechanism of disease. The variant allele was found at a frequency of 4.6e-05 in 21694 control chromosomes (gnomAD, Structural Variants dataset). Deletion of exons 2-4 has been reported in the literature in at least one homozygous individual affected with Leigh Syndrome (Koene_2012). These data indicate that the variant is likely to be associated with disease. To our knowledge, no experimental evidence demonstrating an impact on protein function has been reported. No clinical diagnostic laboratories have submitted clinical-significance assessments for this variant to ClinVar after 2014. Based on the evidence outlined above, the variant was classified as pathogenic.

Literature cited by the submitters: PubMed 22644603.

NC_000005.9:g.(60241210_60368951)_(60448865_?)del

Gene: NDUFAF2 (NADH:ubiquinone oxidoreductase complex assembly factor 2; plus strand). Cytogenetic location: 5q12.1.
Variant type: Deletion.
Identifiers: ClinVar variation 1696036 (VCV001696036.1).